The following is an entry in ClinVar:

NM_000051.4(ATM):c.8672-5T>C

Genes: ATM (ATM serine/threonine kinase; plus strand), C11orf65 (chromosome 11 open reading frame 65; minus strand). Cytogenetic location: 11q22.3.
Variant type: single nucleotide variant.
Coding change: c.8672-5T>C on transcript NM_000051.4 (MANE Select); 5 bases into the intron before coding-DNA position 8672, T replaced by C.
Molecular consequence: intron variant.
Genome position (GRCh38, 1-based): chr11:108,353,761, T>C. VCF-style: chr11-108353761-T-C. GRCh37 (hg19) VCF-style: chr11-108224488-T-C.
Other names: c.8672-5T>C (NM_001351834.2); c.640+32159A>G (NM_001330368.2); c.695-18469A>G (NM_001351110.2).
Identifiers: ClinVar variation 742657 (VCV000742657.11), dbSNP rs1591306315, ClinGen allele CA915948332.
Genomic context (GRCh38, chr11:108,353,761, plus strand): 5'-TTCTAACTGGAAAGAAAGTAAATTAGCTGTCAAACCTCCTAACTTCACTGTATTCTTTAC[T>C]TTAGGTGTTGCTTTTGAACAGGGCAAAATCCTTCCTACTCCTGAGACAGTTCCTTTTAGA-3'

ClinVar aggregate classification (germline): Conflicting classifications of pathogenicity. Review status: criteria provided, conflicting classifications (1 of 4 stars). 2 submissions from 2 submitters: Uncertain significance (1); Likely benign (1). Last evaluated 2025-07-31.

Conditions:
Hereditary cancer-predisposing syndrome. Also called: Tumor predisposition; Hereditary neoplastic syndrome; Neoplastic Syndromes, Hereditary; Hereditary Cancer Syndrome. Identifiers: Orphanet 140162, MedGen C0027672, MeSH D009386, MONDO:0015356.
Ataxia-telangiectasia syndrome (AT). Also called: Ataxia-telangiectasia, complementation group D; AT, COMPLEMENTATION GROUP C; ATAXIA-TELANGIECTASIA, COMPLEMENTATION GROUP A; ATAXIA-TELANGIECTASIA, FRESNO VARIANT; Ataxia-telangiectasia; LOUIS-BAR SYNDROME. Identifiers: Orphanet 100, MedGen C0004135, MONDO:0008840, OMIM 208900.

Submissions (2):

Labcorp Genetics (formerly Invitae), Labcorp
Classification: Likely benign for Ataxia-telangiectasia syndrome. Last evaluated: 2025-07-31. Review status: criteria provided, single submitter. Criteria: Invitae Variant Classification Sherloc (09022015). Collection method: clinical testing. Allele origin: germline.

Ambry Genetics
Classification: Uncertain significance for Hereditary cancer-predisposing syndrome. Last evaluated: 2024-08-27. Review status: criteria provided, single submitter. Criteria: Ambry Variant Classification Scheme 2023. Collection method: clinical testing. Allele origin: germline.
Comment: The c.8672-5T>C intronic variant results from a T to C substitution 5 nucleotides upstream from coding exon 59 in the ATM gene. This nucleotide position is well conserved in available vertebrate species. In silico splice site analysis predicts that this alteration will not have any significant effect on splicing. Based on the available evidence, the clinical significance of this variant remains unclear.